The following is an entry in ClinVar:

NM_000426.4(LAMA2):c.7966G>T (p.Glu2656Ter)

Gene: LAMA2 (laminin subunit alpha 2; plus strand). Cytogenetic location: 6q22.33.
Variant type: single nucleotide variant.
Coding change: c.7966G>T on transcript NM_000426.4 (MANE Select); coding-DNA position 7966, G replaced by T.
Protein change: p.Glu2656Ter; replaces glutamic acid 2656 with a stop codon.
Molecular consequence: nonsense.
Genome position (GRCh38, 1-based): chr6:129,491,968, G>T. VCF-style: chr6-129491968-G-T. GRCh37 (hg19) VCF-style: chr6-129813113-G-T.
Other names: c.7954G>T, p.Glu2652Ter (NM_001079823.2); short protein forms E2652*, E2656*.
Identifiers: ClinVar variation 1372274 (VCV001372274.7), dbSNP rs909847521, ClinGen allele CA365630624.

ClinVar aggregate classification (germline): Pathogenic. Review status: criteria provided, multiple submitters, no conflicts (2 of 4 stars). 2 submissions from 2 submitters: Pathogenic (2). Last evaluated 2024-05-08.

Conditions:
LAMA2-related muscular dystrophy (LAMA2-RD). Also called: Laminin alpha 2-related dystrophy. Identifiers: MedGen C5679788, MONDO:0100228.

Submissions (2):

Myriad Genetics, Inc.
Classification: Pathogenic for LAMA2-related muscular dystrophy. Last evaluated: 2024-05-08. Review status: criteria provided, single submitter. Criteria: Myriad Autosomal Dominant, Autosomal Recessive and X-Linked Classification Criteria (2023). Collection method: clinical testing. Allele origin: unknown.
Comment: NM_000426.3(LAMA2):c.7966G>T(E2656*) is expected to be pathogenic in the context of muscular dystrophy, LAMA2-related. This variant is predicted to lead to an abnormal or absent protein product due to the creation of a premature termination codon in LAMA2, a gene where loss-of-function variants are known to be pathogenic. Please note: this variant was assessed in the context of healthy population screening.

Labcorp Genetics (formerly Invitae), Labcorp
Classification: Pathogenic for LAMA2-related muscular dystrophy. Last evaluated: 2021-04-04. Review status: criteria provided, single submitter. Criteria: Invitae Variant Classification Sherloc (09022015). Collection method: clinical testing. Allele origin: germline.
Comment: This sequence change creates a premature translational stop signal (p.Glu2656*) in the LAMA2 gene. It is expected to result in an absent or disrupted protein product. Loss-of-function variants in LAMA2 are known to be pathogenic (PMID: 18700894). This variant is not present in population databases (ExAC no frequency). This variant has not been reported in the literature in individuals with LAMA2-related conditions. For these reasons, this variant has been classified as Pathogenic.

Literature cited by the submitters: PubMed 18700894 (cited by Labcorp Genetics (formerly Invitae), Labcorp).